The following is an entry in ClinVar:

ClinVar aggregate classification (germline): Uncertain significance (1 of 4 stars; one submission).

Conditions:
GNAI3-related disorder. Also called: GNAI3-related condition.

Submission:

PreventionGenetics, part of Exact Sciences
Classification: Uncertain significance for GNAI3-related condition. Last evaluated: 2026-02-22. Review status: criteria provided, single submitter. Criteria: ACMG Guidelines, 2015. Collection method: clinical testing. Allele origin: germline.
Comment: The GNAI3 c.688T>C variant is predicted to result in the amino acid substitution p.Tyr230His. To our knowledge, this variant has not been reported in the literature or in a large population database (gnomAD), indicating this variant is rare. At this time, the clinical significance of this variant is uncertain due to the absence of conclusive functional and genetic evidence.

NM_006496.4(GNAI3):c.688T>C (p.Tyr230His)

Gene: GNAI3 (G protein subunit alpha i3; plus strand). Cytogenetic location: 1p13.3.
Variant type: single nucleotide variant.
Coding change: c.688T>C on transcript NM_006496.4 (MANE Select); coding-DNA position 688, T replaced by C.
Protein change: p.Tyr230His; replaces tyrosine 230 with histidine.
Molecular consequence: missense variant.
Genome position (GRCh38, 1-based): chr1:109,586,313, T>C. VCF-style: chr1-109586313-T-C. GRCh37 (hg19) VCF-style: chr1-110128935-T-C.
Other names: short protein forms Y230H.
Identifiers: ClinVar variation 4993973 (VCV004993973.1).